The following is an entry in ClinVar:

NM_003722.5(TP63):c.1166C>T (p.Ser389Phe)

Gene: TP63 (tumor protein p63; plus strand). Cytogenetic location: 3q28.
Variant type: single nucleotide variant.
Coding change: c.1166C>T on transcript NM_003722.5 (MANE Select); coding-DNA position 1166, C replaced by T.
Protein change: p.Ser389Phe; replaces serine 389 with phenylalanine.
Molecular consequence: missense variant.
Genome position (GRCh38, 1-based): chr3:189,869,360, C>T. VCF-style: chr3-189869360-C-T. GRCh37 (hg19) VCF-style: chr3-189587149-C-T.
Other names: c.1166C>T, p.Ser389Phe (NM_001114978.2, NM_001114979.2, NM_001329144.2); c.884C>T, p.Ser295Phe (NM_001114980.2, NM_001114981.2, NM_001114982.2 and 1 more transcripts); c.629C>T, p.Ser210Phe (NM_001329146.2); c.1154C>T, p.Ser385Phe (NM_001329148.2); c.872C>T, p.Ser291Phe (NM_001329149.2); c.617C>T, p.Ser206Phe (NM_001329150.2); c.1160C>T, p.Ser387Phe (NM_001329964.2); c.1166C>T (NM_003722.4); short protein forms S385F, S387F, S389F, S291F, S295F, S206F, S210F.
Identifiers: ClinVar variation 2703834 (VCV002703834.3), dbSNP rs1560281511, ClinGen allele CA355755509.
Genomic context (GRCh38, chr3:189,869,360, plus strand): 5'-AAACTTGCATTTTTCCTCCACCAGCGTTTCGTCAGAACACACATGGTATCCAGATGACAT[C>T]CATCAAGAAACGAAGATCCCCAGATGATGAACTGTTATACTTACCAGTAGGTCTTCCTTG-3'
Protein context (NP_003713.3, residues 379-399): RQNTHGIQMT[Ser389Phe]IKKRRSPDDE

ClinVar aggregate classification (germline): Uncertain significance. Review status: criteria provided, multiple submitters, no conflicts (2 of 4 stars). 2 submissions from 2 submitters: Uncertain significance (2). Last evaluated 2024-05-18.

Conditions:
TP63-Related Spectrum Disorders.

Allele frequency attached by ClinVar (database versions not stated): TOPMed below 0.00001; gnomAD exomes 0.00002.
gnomAD v4.1: 9 of 1,614,096 alleles (0.00056%); highest among the groups gnomAD compares: Non-Finnish European, 0.00076%; no homozygotes.

Submissions (2):

Labcorp Genetics (formerly Invitae), Labcorp
Classification: Uncertain significance. Last evaluated: 2024-05-18. Review status: criteria provided, single submitter. Criteria: Invitae Variant Classification Sherloc (09022015). Collection method: clinical testing. Allele origin: germline.
Comment: This sequence change replaces serine, which is neutral and polar, with phenylalanine, which is neutral and non-polar, at codon 389 of the TP63 protein (p.Ser389Phe). This variant is not present in population databases (gnomAD no frequency). This variant has not been reported in the literature in individuals affected with TP63-related conditions. Advanced modeling of protein sequence and biophysical properties (such as structural, functional, and spatial information, amino acid conservation, physicochemical variation, residue mobility, and thermodynamic stability) has been performed at Invitae for this missense variant, however the output from this modeling did not meet the statistical confidence thresholds required to predict the impact of this variant on TP63 protein function. In summary, the available evidence is currently insufficient to determine the role of this variant in disease. Therefore, it has been classified as a Variant of Uncertain Significance.

GeneDx
Classification: Uncertain significance. Last evaluated: 2023-12-23. Review status: criteria provided, single submitter. Criteria: GeneDx Variant Classification Process June 2021. Collection method: clinical testing. Allele origin: germline. Affected: yes.
Comment: In silico analysis supports that this missense variant has a deleterious effect on protein structure/function; Has not been previously published as pathogenic or benign to our knowledge